The following is an entry in ClinVar:

ClinVar aggregate classification (germline): Uncertain significance (1 of 4 stars; one submission).

Conditions:
Neurodevelopmental disorder with or without variable brain abnormalities; NEDBA. Also called: NEURODEVELOPMENTAL DISORDER WITH OR WITHOUT VARIABLE BRAIN ABNORMALITIES. Identifiers: MedGen C5193102, MONDO:0032755, OMIM 618443.

gnomAD v4.1: 29 of 1,612,462 alleles (0.0018%); highest among the groups gnomAD compares: South Asian, 0.024%; no homozygotes.

Submission:

Neuberg Centre For Genomic Medicine, NCGM
Classification: Uncertain significance for Neurodevelopmental disorder with or without variable brain abnormalities; NEDBA. Last evaluated: 2023-06-22. Review status: criteria provided, single submitter. Criteria: ACMG Guidelines, 2015. Collection method: clinical testing. Allele origin: germline. Inheritance: Autosomal dominant inheritance. Affected: yes.
Comment: The observed missense variant c.2896A>G(p.Ser966Gly) in MAPK8IP3 gene has not been reported previously as a pathogenic variant nor as a benign variant, to our knowledge. The (p.Ser966Gly) variant is absent in gnomAD Exomes. The amino acid Ser at position 966 is changed to a Gly changing protein sequence and it might alter its composition and physico-chemical properties. Computational evidence (Polyphen-Benign, SIFT-damaging and MutationTaster-disease causing) predicts conflicting evidence on protein structure and function for this variant. The amino acid Serine is predicted as conserved by GERP++ and PhyloP across 100 vertebrates.For these reasons, this variant has been classified as Uncertain Significance.

NM_001318852.2(MAPK8IP3):c.2896A>G (p.Ser966Gly)

Gene: MAPK8IP3 (mitogen-activated protein kinase 8 interacting protein 3; plus strand). Cytogenetic location: 16p13.3.
Variant type: single nucleotide variant.
Coding change: c.2896A>G on transcript NM_001318852.2 (MANE Select); coding-DNA position 2896, A replaced by G.
Protein change: p.Ser966Gly; replaces serine 966 with glycine.
Molecular consequence: missense variant.
Genome position (GRCh38, 1-based): chr16:1,766,605, A>G. VCF-style: chr16-1766605-A-G. GRCh37 (hg19) VCF-style: chr16-1816606-A-G.
Other names: c.2875A>G, p.Ser959Gly (NM_001040439.2); c.2893A>G, p.Ser965Gly (NM_015133.5); short protein forms S959G, S965G, S966G.
Identifiers: ClinVar variation 3731352 (VCV003731352.1).